The following is an entry in ClinVar:

ClinVar aggregate classification (germline): Uncertain significance (1 of 4 stars; one submission).

Submission:

Women's Health and Genetics/Laboratory Corporation of America, LabCorp
Classification: Uncertain significance. Last evaluated: 2023-04-18. Review status: criteria provided, single submitter. Criteria: LabCorp Variant Classification Summary - May 2015. Collection method: clinical testing. Allele origin: germline.
Comment: Variant summary: The variant identified by MLPA or other technology involves the duplication of exons 2-7 in the GBE1 gene. A presumed nomenclature of c.(143+1_144-1)_(992+1_993-1)dup has been designated for the purposes of this classification. It has been assumed that this is a tandem duplication in direct orientation (Richardson_GIM_2018, Newman_AJHG_2015). Although exact breakpoints of this CNV are not known, it is expected to result in a large in-frame duplication change in the GBE1 gene. The variant was absent in 21694 control chromosomes (gnomAD, Structural Variants dataset). The available data on variant occurrences in the general population are insufficient to allow any conclusion about variant significance. To our knowledge, no occurrence of c.(143+1_144-1)_(992+1_993-1)dup in individuals affected with Glycogen Storage Disease, Type IV and no experimental evidence demonstrating its impact on protein function have been reported. No clinical diagnostic laboratories have submitted clinical-significance assessments for this variant to ClinVar after 2014. Based on the evidence outlined above, the variant was classified as uncertain significance.

NC_000003.11:g.(81643175_81691931)_(81754765_81810525)dup

Gene: GBE1 (1,4-alpha-glucan branching enzyme 1; minus strand). Cytogenetic location: 3p12.2.
Variant type: Duplication.
Identifiers: ClinVar variation 2503891 (VCV002503891.1).